The following is an entry in ClinVar:

NM_001009944.3(PKD1):c.7391G>C (p.Arg2464Pro)

Gene: PKD1 (polycystin 1, transient receptor potential channel interacting; minus strand). Cytogenetic location: 16p13.3.
Variant type: single nucleotide variant.
Coding change: c.7391G>C on transcript NM_001009944.3 (MANE Select); coding-DNA position 7391, G replaced by C.
Protein change: p.Arg2464Pro; replaces arginine 2464 with proline.
Molecular consequence: missense variant.
Genome position (GRCh38, 1-based): chr16:2,106,496, C>G on the plus strand (G>C on the coding strand, the complement: PKD1 is on the minus strand). VCF-style: chr16-2106496-C-G. GRCh37 (hg19) VCF-style: chr16-2156497-C-G.
Other names: c.7391G>C, p.Arg2464Pro (NM_000296.4); short protein forms R2464P.
Identifiers: ClinVar variation 3571810 (VCV003571810.3).

ClinVar aggregate classification (germline): Uncertain significance. Review status: criteria provided, multiple submitters, no conflicts (2 of 4 stars). 3 submissions from 3 submitters: Uncertain significance (3). Last evaluated 2024-12-19.

Conditions:
Polycystic kidney disease, adult type (PKD1). Also called: POLYCYSTIC KIDNEY DISEASE 1 WITH OR WITHOUT POLYCYSTIC LIVER DISEASE; POLYCYSTIC KIDNEY DISEASE, ADULT, TYPE I; Polycystic Kidney Disease 1, Autosomal Dominant; Polycystic kidney disease 1; Polycystic kidney disease 1, severe; Polycystic Kidney, Autosomal Dominant. Identifiers: MedGen C3149841, MONDO:0008263, OMIM 173900.

gnomAD v4.1: 10 of 1,594,154 alleles (0.00063%); highest among the groups gnomAD compares: East Asian, 0.0022%; no homozygotes.

Submissions (3):

GeneDx
Classification: Uncertain significance. Last evaluated: 2024-12-19. Review status: criteria provided, single submitter. Criteria: GeneDx Variant Classification Process June 2021. Collection method: clinical testing. Allele origin: germline. Affected: yes.
Comment: Reported with multiple PKD1 variants on the same allele (in cis) in multiple individuals within a single family with polycystic kidney disease in published literature; the authors propose this combination of variants is likely due to a psuedogene conversion event (Qiu et al., 2024); Not observed at significant frequency in large population cohorts (gnomAD); In silico analysis indicates that this missense variant does not alter protein structure/function; This variant is associated with the following publications: (PMID: Qiu_2024_HumanMutation)

Athena Diagnostics
Classification: Uncertain significance. Last evaluated: 2023-11-06. Review status: criteria provided, single submitter. Criteria: Athena Diagnostics Criteria. Collection method: clinical testing. Allele origin: unknown.
Comment: Available data are insufficient to determine the clinical significance of the variant at this time. The frequency of this variant in the general population is uninformative in assessment of its pathogenicity. This variant has been seen where an alternate explanation for disease was also identified, suggesting this variant may not cause disease. Computational tools disagree on the variant's effect on normal protein function. The variant is located in a region that is considered important for protein function and/or structure.

Department of Pathology and Laboratory Medicine, Sinai Health System
Classification: Uncertain significance for Polycystic kidney disease, adult type. Last evaluated: 2023-04-05. Review status: criteria provided, single submitter. Criteria: ACMG Guidelines, 2015. Collection method: clinical testing. Allele origin: germline. Affected: yes.